The following is an entry in ClinVar:

ClinVar aggregate classification (germline): Uncertain significance (1 of 4 stars; one submission).

Conditions:
Renal carnitine transport defect (CDSP). Also called: CARNITINE DEFICIENCY, SYSTEMIC, DUE TO DEFECT IN RENAL REABSORPTION OF CARNITINE; CARNITINE TRANSPORTER, PLASMA-MEMBRANE, DEFICIENCY OF; CARNITINE UPTAKE DEFECT; Carnitine transporter deficiency; Carnitine Deficiency, Systemic; Systemic primary carnitine deficiency disease. Identifiers: Orphanet 158, MedGen C0342788, MONDO:0008919, OMIM 212140.

Allele frequency attached by ClinVar (database versions not stated): gnomAD exomes below 0.00001.
gnomAD v4.1: 1 of 1,609,030 alleles (0.000062%); highest among the groups gnomAD compares: South Asian, 0.0011%; no homozygotes.

Submission:

Labcorp Genetics (formerly Invitae), Labcorp
Classification: Uncertain significance for Renal carnitine transport defect. Last evaluated: 2022-08-22. Review status: criteria provided, single submitter. Criteria: Invitae Variant Classification Sherloc (09022015). Collection method: clinical testing. Allele origin: germline.
Comment: In summary, the available evidence is currently insufficient to determine the role of this variant in disease. Therefore, it has been classified as a Variant of Uncertain Significance. Advanced modeling of protein sequence and biophysical properties (such as structural, functional, and spatial information, amino acid conservation, physicochemical variation, residue mobility, and thermodynamic stability) performed at Invitae indicates that this missense variant is not expected to disrupt SLC22A5 protein function. This variant has not been reported in the literature in individuals affected with SLC22A5-related conditions. This variant is not present in population databases (gnomAD no frequency). This sequence change replaces threonine, which is neutral and polar, with alanine, which is neutral and non-polar, at codon 555 of the SLC22A5 protein (p.Thr555Ala).

NM_003060.4(SLC22A5):c.1663A>G (p.Thr555Ala)

Gene: SLC22A5 (solute carrier family 22 member 5; plus strand). Cytogenetic location: 5q31.1.
Variant type: single nucleotide variant.
Coding change: c.1663A>G on transcript NM_003060.4 (MANE Select); coding-DNA position 1663, A replaced by G.
Protein change: p.Thr555Ala; replaces threonine 555 with alanine.
Molecular consequence: missense variant.
Genome position (GRCh38, 1-based): chr5:132,394,261, A>G. VCF-style: chr5-132394261-A-G. GRCh37 (hg19) VCF-style: chr5-131729953-A-G.
Other names: c.1735A>G, p.Thr579Ala (NM_001308122.2); short protein forms T555A, T579A.
Identifiers: ClinVar variation 2023887 (VCV002023887.4), dbSNP rs2532142795, ClinGen allele CA360810401.